The following is an entry in ClinVar:

ClinVar aggregate classification (germline): Uncertain significance (1 of 4 stars; one submission).

Allele frequency attached by ClinVar (database versions not stated): gnomAD exomes below 0.00001.
gnomAD v4.1: 1 of 1,534,810 alleles (0.000065%); highest among the groups gnomAD compares: Non-Finnish European, 0.000087%; no homozygotes.

Submission:

CeGaT Center for Human Genetics Tuebingen
Classification: Uncertain significance. Last evaluated: 2023-07-01. Review status: criteria provided, single submitter. Criteria: CeGaT Center For Human Genetics Tuebingen Variant Classification Criteria Version 2. Collection method: clinical testing. Allele origin: germline. Affected: yes. Observed: 1 variant allele.
Comment: RNF213: PM2, BP4

NM_001256071.3(RNF213):c.3529G>A (p.Val1177Met)

Gene: RNF213 (ring finger protein 213; plus strand). Cytogenetic location: 17q25.3.
Variant type: single nucleotide variant.
Coding change: c.3529G>A on transcript NM_001256071.3 (MANE Select); coding-DNA position 3529, G replaced by A.
Protein change: p.Val1177Met; replaces valine 1177 with methionine.
Molecular consequence: missense variant.
Genome position (GRCh38, 1-based): chr17:80,332,017, G>A. VCF-style: chr17-80332017-G-A. GRCh37 (hg19) VCF-style: chr17-78305817-G-A.
Other names: c.3676G>A, p.Val1226Met (NM_001410195.1, NM_020914.5); short protein forms V1177M, V1226M.
Identifiers: ClinVar variation 2648411 (VCV002648411.24), dbSNP rs2511328632, ClinGen allele CA401380796.
Genomic context (GRCh38, chr17:80,332,017, plus strand): 5'-AATCATGATTAGAGCTTTGACTTCTGACACTTTCTTTTCGCTTCTAAAGTGGACTTTGGA[G>A]TGCTTGCAGTAAGACACTCACAAGACCTCAGCAGTAAAAGATTAAATGACACCGTGACAG-3'
Protein context (NP_001243000.2, residues 1167-1187): VKHLIQVDFG[Val1177Met]LAVRHSQDLS